The following is an entry in ClinVar:

NM_001319074.4(RAX2):c.340A>C (p.Met114Leu)

Gene: RAX2 (retina and anterior neural fold homeobox 2; minus strand). Cytogenetic location: 19p13.3.
Variant type: single nucleotide variant.
Coding change: c.340A>C on transcript NM_001319074.4 (MANE Select); coding-DNA position 340, A replaced by C.
Protein change: p.Met114Leu; replaces methionine 114 with leucine.
Molecular consequence: missense variant.
Genome position (GRCh38, 1-based): chr19:3,770,836, T>G on the plus strand (A>C on the coding strand, the complement: RAX2 is on the minus strand). VCF-style: chr19-3770836-T-G. GRCh37 (hg19) VCF-style: chr19-3770834-T-G.
Other names: c.340A>C, p.Met114Leu (NM_032753.4); short protein forms M114L.
Identifiers: ClinVar variation 1403500 (VCV001403500.8), dbSNP rs1002124313, ClinGen allele CA304416750.

ClinVar aggregate classification (germline): Uncertain significance (1 of 4 stars; one submission).

Allele frequency attached by ClinVar (database versions not stated): TOPMed below 0.00001; gnomAD 0.00001.

Submission:

Labcorp Genetics (formerly Invitae), Labcorp
Classification: Uncertain significance. Last evaluated: 2024-10-25. Review status: criteria provided, single submitter. Criteria: Invitae Variant Classification Sherloc (09022015). Collection method: clinical testing. Allele origin: germline.
Comment: This sequence change replaces methionine, which is neutral and non-polar, with leucine, which is neutral and non-polar, at codon 114 of the RAX2 protein (p.Met114Leu). This variant is not present in population databases (gnomAD no frequency). This variant has not been reported in the literature in individuals affected with RAX2-related conditions. ClinVar contains an entry for this variant (Variation ID: 1403500). An algorithm developed to predict the effect of missense changes on protein structure and function outputs the following: PolyPhen-2: "Benign". The leucine amino acid residue is found in multiple mammalian species, which suggests that this missense change does not adversely affect protein function. In summary, the available evidence is currently insufficient to determine the role of this variant in disease. Therefore, it has been classified as a Variant of Uncertain Significance.